The following is an entry in ClinVar:

ClinVar aggregate classification (germline): Likely benign (1 of 4 stars; one submission).

Conditions:
Tyrosinemia type II (TYRSN2). Also called: KERATOSIS PALMOPLANTARIS WITH CORNEAL DYSTROPHY; OREGON TYPE TYROSINEMIA; TAT DEFICIENCY; TYROSINE AMINOTRANSFERASE DEFICIENCY; TYROSINE TRANSAMINASE DEFICIENCY. Identifiers: Orphanet 28378, MedGen C0268487, MONDO:0010160, OMIM 276600.

Allele frequency attached by ClinVar (database versions not stated): gnomAD 0.00070; TOPMed 0.00083; 1000 Genomes Project 0.00180; 1000 Genomes Project 30x 0.00265.

Submission:

Illumina Laboratory Services, Illumina
Classification: Likely benign for Tyrosinemia type II. Last evaluated: 2018-01-12. Review status: criteria provided, single submitter. Criteria: ICSL Variant Classification Criteria 13 December 2019. Collection method: clinical testing. Allele origin: germline.
Comment: This variant was observed in the ICSL laboratory as part of a predisposition screen in an ostensibly healthy population. It had not been previously curated by ICSL or reported in the Human Gene Mutation Database (HGMD: prior to June 1st, 2018), and was therefore a candidate for classification through an automated scoring system. Utilizing variant allele frequency, disease prevalence and penetrance estimates, and inheritance mode, an automated score was calculated to assess if this variant is too frequent to cause the disease. Based on the score and internal cut-off values, a variant classified as likely benign is not then subjected to further curation. The score for this variant resulted in a classification of likely benign for this disease.

NM_000353.3(TAT):c.*682T>C

Genes: TAT (tyrosine aminotransferase; minus strand), TAT-AS1 (TAT antisense RNA 1; plus strand). Cytogenetic location: 16q22.2.
Variant type: single nucleotide variant.
Coding change: c.*682T>C on transcript NM_000353.3 (MANE Select); 682 bases downstream of the stop codon, T replaced by C.
Molecular consequence: 3 prime UTR variant.
Genome position (GRCh38, 1-based): chr16:71,567,462, A>G on the plus strand (T>C on the coding strand, the complement: TAT is on the minus strand). VCF-style: chr16-71567462-A-G. GRCh37 (hg19) VCF-style: chr16-71601365-A-G.
Identifiers: ClinVar variation 320394 (VCV000320394.5), dbSNP rs118086978, ClinGen allele CA10644170.